The following is an entry in ClinVar:

NM_001145715.3(KPNA7):c.1337_1350del (p.Glu446fs)

Gene: KPNA7 (karyopherin subunit alpha 7; minus strand). Cytogenetic location: 7q22.1.
Variant type: Deletion.
Coding change: c.1337_1350del on transcript NM_001145715.3 (MANE Select); coding-DNA positions 1337 to 1350, 14 bases deleted (AGAAGGAAAACCTG).
Protein change: p.Glu446fs; shifts the reading frame from glutamic acid 446.
Molecular consequence: frameshift variant.
Genome position (GRCh38, 1-based): chr7:99,178,034-99,178,047, CAGGTTTTCCTTCT deleted on the plus strand (AGAAGGAAAACCTG on the coding strand, the reverse complement: KPNA7 is on the minus strand); deleting any 14 consecutive bases within chr7:99,178,034-99,178,050 gives the same sequence; the c. name uses the placement nearest the transcript's 3' end. VCF-style (leftmost placement, unchanged base first): chr7-99178033-ACAGGTTTTCCTTCT-A. GRCh37 (hg19) VCF-style: chr7-98775656-ACAGGTTTTCCTTCT-A.
Other names: short protein forms E446fs.
Identifiers: ClinVar variation 2150472 (VCV002150472.1), dbSNP rs1407787535, ClinGen allele CA576678051.

ClinVar aggregate classification (germline): Uncertain significance (1 of 4 stars; one submission).

Submission:

Labcorp Genetics (formerly Invitae), Labcorp
Classification: Uncertain significance. Last evaluated: 2022-08-20. Review status: criteria provided, single submitter. Criteria: Invitae Variant Classification Sherloc (09022015). Collection method: clinical testing. Allele origin: germline.
Comment: This sequence change creates a premature translational stop signal (p.Glu446Valfs*12) in the KPNA7 gene. It is expected to result in an absent or disrupted protein product. However, the current clinical and genetic evidence is not sufficient to establish whether loss-of-function variants in KPNA7 cause disease. This variant is present in population databases (no rsID available, gnomAD 0.01%). This variant has not been reported in the literature in individuals affected with KPNA7-related conditions. In summary, the available evidence is currently insufficient to determine the role of this variant in disease. Therefore, it has been classified as a Variant of Uncertain Significance.